The following is an entry in ClinVar:

ClinVar aggregate classification (germline): Uncertain significance (1 of 4 stars; one submission).

Conditions:
Hereditary cancer-predisposing syndrome. Also called: Neoplastic Syndromes, Hereditary; Tumor predisposition; Hereditary neoplastic syndrome; Hereditary Cancer Syndrome. Identifiers: Orphanet 140162, MedGen C0027672, MeSH D009386, MONDO:0015356.

Submission:

Ambry Genetics
Classification: Uncertain significance for Hereditary cancer-predisposing syndrome. Last evaluated: 2023-10-06. Review status: criteria provided, single submitter. Criteria: Ambry Variant Classification Scheme 2023. Collection method: clinical testing. Allele origin: germline.
Comment: The p.P26H variant (also known as c.77C>A), located in coding exon 1 of the CDK4 gene, results from a C to A substitution at nucleotide position 77. The proline at codon 26 is replaced by histidine, an amino acid with similar properties. This amino acid position is not well conserved in available vertebrate species. In addition, this alteration is predicted to be tolerated by in silico analysis. Since supporting evidence is limited at this time, the clinical significance of this alteration remains unclear.

NM_000075.4(CDK4):c.77C>A (p.Pro26His)

Gene: CDK4 (cyclin dependent kinase 4; minus strand). Cytogenetic location: 12q14.1.
Variant type: single nucleotide variant.
Coding change: c.77C>A on transcript NM_000075.4 (MANE Select); coding-DNA position 77, C replaced by A.
Protein change: p.Pro26His; replaces proline 26 with histidine.
Molecular consequence: missense variant.
Genome position (GRCh38, 1-based): chr12:57,751,641, G>T on the plus strand (C>A on the coding strand, the complement: CDK4 is on the minus strand). VCF-style: chr12-57751641-G-T. GRCh37 (hg19) VCF-style: chr12-58145424-G-T.
Other names: short protein forms P26H.
Identifiers: ClinVar variation 3230245 (VCV003230245.1), dbSNP rs199609381, ClinGen allele CA237844587.
Genomic context (GRCh38, chr12:57,751,641, plus strand): 5'-CCACCTCCTCCTCCATTGGGGACTCTCACACTCTTGAGGGCCACAAAGTGGCCACTGTGG[G>T]GATCACGGGCCTTGTACACTGTCCCATAGGCACCGACACCAATTTCAGCCACTGGCTCAT-3'
Protein context (NP_000066.1, residues 16-36): AYGTVYKARD[Pro26His]HSGHFVALKS